The following is an entry in ClinVar:

NM_022436.3(ABCG5):c.1720A>T (p.Ile574Phe)

Genes: ABCG5 (ATP binding cassette subfamily G member 5; minus strand), DYNC2LI1 (dynein cytoplasmic 2 light intermediate chain 1; plus strand). Cytogenetic location: 2p21.
Variant type: single nucleotide variant.
Coding change: c.1720A>T on transcript NM_022436.3 (MANE Select); coding-DNA position 1720, A replaced by T.
Protein change: p.Ile574Phe; replaces isoleucine 574 with phenylalanine.
Molecular consequence: missense variant. On other transcripts: intron variant (2).
Genome position (GRCh38, 1-based): chr2:43,814,519, T>A on the plus strand (A>T on the coding strand, the complement: ABCG5 is on the minus strand). VCF-style: chr2-43814519-T-A. GRCh37 (hg19) VCF-style: chr2-44041658-T-A.
Other names: c.*15+3995T>A (NM_001348913.2, NM_001348912.2); short protein forms I574F.
Identifiers: ClinVar variation 1778748 (VCV001778748.2), dbSNP rs2465896336, ClinGen allele CA346662514.
Genomic context (GRCh38, chr2:43,814,519, plus strand): 5'-CCCAAATAGAATACTTACCACAAGTGAAATTCAGTCCGTAGAACTCATTGACTACAAGAA[T>A]CTCACTGCAATATTTTTGGAATGTAAAATAACTGATGATTTTAAAAGGAATGGGCATTTC-3'
Protein context (NP_071881.1, residues 564-584): YFTFQKYCSE[Ile574Phe]LVVNEFYGLN

ClinVar aggregate classification (germline): Uncertain significance (1 of 4 stars; one submission).

Conditions:
Cardiovascular phenotype. Identifiers: MedGen CN230736.

Allele frequency attached by ClinVar (database versions not stated): gnomAD exomes below 0.00001.
gnomAD v4.1: 2 of 1,609,512 alleles (0.00012%); highest among the groups gnomAD compares: Non-Finnish European, 0.00017%; no homozygotes.

Submission:

Ambry Genetics
Classification: Uncertain significance for Cardiovascular phenotype. Last evaluated: 2021-06-22. Review status: criteria provided, single submitter. Criteria: Ambry Variant Classification Scheme 2023. Collection method: clinical testing. Allele origin: germline.
Comment: The p.I574F variant (also known as c.1720A>T), located in coding exon 12 of the ABCG5 gene, results from an A to T substitution at nucleotide position 1720. The isoleucine at codon 574 is replaced by phenylalanine, an amino acid with highly similar properties. This amino acid position is conserved. In addition, the in silico prediction for this alteration is inconclusive. Since supporting evidence is limited at this time, the clinical significance of this alteration remains unclear.